The following is an entry in ClinVar:

NM_000298.6(PKLR):c.1705C>A (p.Arg569=)

Gene: PKLR (pyruvate kinase L/R; minus strand). Cytogenetic location: 1q22.
Variant type: single nucleotide variant.
Coding change: c.1705C>A on transcript NM_000298.6 (MANE Select); coding-DNA position 1705, C replaced by A.
Protein change: p.Arg569=; no amino-acid change (arginine 569 retained).
Molecular consequence: synonymous variant.
Genome position (GRCh38, 1-based): chr1:155,290,592, G>T on the plus strand (C>A on the coding strand, the complement: PKLR is on the minus strand). VCF-style: chr1-155290592-G-T. GRCh37 (hg19) VCF-style: chr1-155260383-G-T.
Other names: p.Arg569=; c.1705C>A, p.Arg569= (LRG_1136t1); c.1612C>A, p.Arg538= (NM_181871.4).
Identifiers: ClinVar variation 255798 (VCV000255798.35), dbSNP rs1052176, ClinGen allele CA1143918.
Genomic context (GRCh38, chr1:155,290,592, plus strand): 5'-GGGTACAAGGGTAGGCTGGGCCAGAGGAGGGAGGGGCGTCTCAGGATATGCTTAGCACCC[G>T]CATGATGTTGGTGTAGCCGGAGCCAGGTCGCCAGCCTGTCACCACAATCACCAGGTCTCC-3'
Protein context (NP_000289.1, residues 559-574): RPGSGYTNIM[Arg569=]VLSIS

ClinVar aggregate classification (germline): Benign. Review status: criteria provided, multiple submitters, no conflicts (2 of 4 stars). 11 submissions from 11 submitters: Benign (9). 2 of the submissions do not count toward it. Last evaluated 2026-02-03.

Conditions:
Pyruvate kinase deficiency of red cells (CNSHA2). Also called: Pyruvate kinase deficiency, Amish type; PK DEFICIENCY; PYRUVATE KINASE DEFICIENCY OF ERYTHROCYTE. Identifiers: Orphanet 766, MedGen C0340968, MONDO:0009950, OMIM 266200.

Allele frequency attached by ClinVar (database versions not stated): ESP Exome Variant Server 0.34123; gnomAD 0.35034 and 0.35332; TOPMed 0.36420; 1000 Genomes Project 30x 0.43613; 1000 Genomes Project 0.43850.

Submissions (11):

Labcorp Genetics (formerly Invitae), Labcorp
Classification: Benign. Last evaluated: 2026-02-03. Review status: criteria provided, single submitter. Criteria: Invitae Variant Classification Sherloc (09022015). Collection method: clinical testing. Allele origin: germline.

ARUP Laboratories, Molecular Genetics and Genomics, ARUP Laboratories
Classification: Benign. Last evaluated: 2025-07-31. Review status: criteria provided, single submitter. Criteria: ARUP Molecular Germline Variant Investigation Process 2024. Collection method: clinical testing. Allele origin: germline.

Blueprint Genetics
Classification: Benign. Last evaluated: 2024-11-26. Review status: criteria provided, single submitter. Criteria: ACMG Guidelines, 2015. Collection method: clinical testing. Allele origin: germline.

Laboratory for Molecular Medicine, Mass General Brigham Personalized Medicine
Classification: Benign. Last evaluated: 2021-12-21. Review status: criteria provided, single submitter. Criteria: ACMG Guidelines, 2015. Collection method: clinical testing. Allele origin: germline.
Comment: The p.Arg569Arg variant in PKLP is classified as benign because it has been identified in 70% (13958/19872) of East Asian chromosomes by gnomAD. ACMG/AMP Criteria applied: BA1, BP7.

GeneDx
Classification: Benign. Last evaluated: 2018-11-12. Review status: criteria provided, single submitter. Criteria: GeneDx Variant Classification Process June 2021. Collection method: clinical testing. Allele origin: germline. Affected: yes.

Illumina Laboratory Services, Illumina
Classification: Benign for Pyruvate kinase deficiency of red cells. Last evaluated: 2018-01-12. Review status: criteria provided, single submitter. Criteria: ICSL Variant Classification Criteria 13 December 2019. Collection method: clinical testing. Allele origin: germline.
Comment: This variant was observed in the ICSL laboratory as part of a predisposition screen in an ostensibly healthy population. It had not been previously curated by ICSL or reported in the Human Gene Mutation Database (HGMD: prior to June 1st, 2018), and was therefore a candidate for classification through an automated scoring system. Utilizing variant allele frequency, disease prevalence and penetrance estimates, and inheritance mode, an automated score was calculated to assess if this variant is too frequent to cause the disease. Based on the score and internal cut-off values, a variant classified as benign is not then subjected to further curation. The score for this variant resulted in a classification of benign for this disease.

Mayo Clinic Laboratories, Mayo Clinic
Classification: Benign. Last evaluated: 2016-04-27. Review status: criteria provided, single submitter. Criteria: ACMG Guidelines, 2015. Collection method: clinical testing. Allele origin: germline. Observed: 1,297 variant alleles.

Breakthrough Genomics
Classification: Benign. Review status: criteria provided, single submitter. Criteria: ACMG Guidelines, 2015. Collection method: not provided. Allele origin: germline. Inheritance: Autosomal recessive inheritance. Affected: yes.

PreventionGenetics, part of Exact Sciences
Classification: Benign. Review status: criteria provided, single submitter. Criteria: ACMG Guidelines, 2015. Collection method: clinical testing. Allele origin: germline.

Diagnostic Laboratory, Department of Genetics, University Medical Center Groningen
Classification: Benign. Review status: no assertion criteria provided. Collection method: clinical testing. Allele origin: germline. Affected: yes. Study: VKGL Data-share Consensus. Not counted in ClinVar's aggregate classification.

Genome Diagnostics Laboratory, University Medical Center Utrecht
Classification: Benign. Review status: no assertion criteria provided. Collection method: clinical testing. Allele origin: germline. Affected: yes. Study: VKGL Data-share Consensus. Not counted in ClinVar's aggregate classification.